The following is an entry in ClinVar:

NM_001371596.2(MFSD8):c.173T>A (p.Met58Lys)

Gene: MFSD8 (major facilitator superfamily domain containing 8; minus strand). Cytogenetic location: 4q28.2.
Variant type: single nucleotide variant.
Coding change: c.173T>A on transcript NM_001371596.2 (MANE Select); coding-DNA position 173, T replaced by A.
Protein change: p.Met58Lys; replaces methionine 58 with lysine.
Molecular consequence: missense variant.
Genome position (GRCh38, 1-based): chr4:127,949,829, A>T on the plus strand (T>A on the coding strand, the complement: MFSD8 is on the minus strand). VCF-style: chr4-127949829-A-T. GRCh37 (hg19) VCF-style: chr4-128870984-A-T.
Other names: c.173T>A, p.Met58Lys (NM_001363520.3, NM_001363521.3, NM_001371591.2 and 6 more transcripts); c.38T>A, p.Met13Lys (NM_001371590.2, NM_001371595.1, NM_001410765.1); short protein forms M13K, M58K.
Identifiers: ClinVar variation 4292100 (VCV004292100.1).

ClinVar aggregate classification (germline): Uncertain significance (1 of 4 stars; one submission).

Conditions:
Neuronal ceroid lipofuscinosis 7 (CLN7). Also called: MFSD8-Related Neuronal Ceroid-Lipofuscinosis. Identifiers: Orphanet 168491, Orphanet 228366, MedGen C1838571, MONDO:0012588, OMIM 610951.

Submission:

3billion
Classification: Uncertain significance for Neuronal ceroid lipofuscinosis 7. Last evaluated: 2025-01-31. Review status: criteria provided, single submitter. Criteria: ACMG Guidelines, 2015. Collection method: clinical testing. Allele origin: germline. Affected: yes.
Comment: The variant is not observed in the gnomAD v4.1.0 dataset. Predicted Consequence/Location: Missense variant. The majority of the known disease-causing variants of this gene are variants expected to result in premature termination of the protein. Damaging effect on gene or gene product predicted by in silico programs is uncertain [REVEL: 0.34 (damaging >=0.6, benign <0.4), 3Cnet: 0.39 (damaging >=0.6, benign <0.15)]. Different missense changes at the same codon have been reported as of uncertain significance (ClinVar ID: VCV000645524, VCV002004013). Therefore, this variant is classified as VUS according to the recommendation of ACMG/AMP guideline.